The following is an entry in ClinVar:

NM_172351.3(CD46):c.251A>T (p.His84Leu)

Gene: CD46 (CD46 molecule; plus strand). Cytogenetic location: 1q32.2.
Variant type: single nucleotide variant.
Coding change: c.251A>T on transcript NM_172351.3 (MANE Select); coding-DNA position 251, A replaced by T.
Protein change: p.His84Leu; replaces histidine 84 with leucine.
Molecular consequence: missense variant.
Genome position (GRCh38, 1-based): chr1:207,757,167, A>T. VCF-style: chr1-207757167-A-T. GRCh37 (hg19) VCF-style: chr1-207930512-A-T.
Other names: c.251A>T, p.His84Leu (NM_002389.4, NM_153826.4, NM_172350.3 and 8 more transcripts); short protein forms H84L.
Identifiers: ClinVar variation 1970652 (VCV001970652.5), dbSNP rs1047780483, ClinGen allele CA36668119.

ClinVar aggregate classification (germline): Uncertain significance (1 of 4 stars; one submission).

gnomAD v4.1: 10 of 1,613,952 alleles (0.00062%); highest among the groups gnomAD compares: Admixed American, 0.0017%; no homozygotes.

Submission:

Labcorp Genetics (formerly Invitae), Labcorp
Classification: Uncertain significance. Last evaluated: 2022-09-20. Review status: criteria provided, single submitter. Criteria: Invitae Variant Classification Sherloc (09022015). Collection method: clinical testing. Allele origin: germline.
Comment: This variant has not been reported in the literature in individuals affected with CD46-related conditions. In summary, the available evidence is currently insufficient to determine the role of this variant in disease. Therefore, it has been classified as a Variant of Uncertain Significance. Advanced modeling of protein sequence and biophysical properties (such as structural, functional, and spatial information, amino acid conservation, physicochemical variation, residue mobility, and thermodynamic stability) performed at Invitae indicates that this missense variant is not expected to disrupt CD46 protein function. This variant is present in population databases (no rsID available, gnomAD 0.003%). This sequence change replaces histidine, which is basic and polar, with leucine, which is neutral and non-polar, at codon 84 of the CD46 protein (p.His84Leu).